The following is an entry in ClinVar:

NM_014336.5(AIPL1):c.642G>A (p.Lys214=)

Gene: AIPL1 (AIP like 1 HSP90 co-chaperone; minus strand). Cytogenetic location: 17p13.2.
Variant type: single nucleotide variant.
Coding change: c.642G>A on transcript NM_014336.5 (MANE Select); coding-DNA position 642, G replaced by A.
Protein change: p.Lys214=; no amino-acid change (lysine 214 retained).
Molecular consequence: synonymous variant.
Genome position (GRCh38, 1-based): chr17:6,426,881, C>T on the plus strand (G>A on the coding strand, the complement: AIPL1 is on the minus strand). VCF-style: chr17-6426881-C-T. GRCh37 (hg19) VCF-style: chr17-6330201-C-T.
Other names: c.453G>A, p.Lys151= (NM_001033054.3); c.462G>A, p.Lys154= (NM_001033055.3); c.606G>A, p.Lys202= (NM_001285399.3); c.576G>A, p.Lys192= (NM_001285400.3); c.642G>A, p.Lys214= (NM_001285401.3); c.525G>A, p.Lys175= (NM_001285402.2); c.618G>A, p.Lys206= (NM_001285403.4).
Identifiers: ClinVar variation 1003487 (VCV001003487.6), dbSNP rs747890893, ClinGen allele CA8328451.

ClinVar aggregate classification (germline): Uncertain significance. Review status: criteria provided, multiple submitters, no conflicts (2 of 4 stars). 2 submissions from 2 submitters: Uncertain significance (2). Last evaluated 2022-06-20.

Conditions:
Leber congenital amaurosis 4 (LCA4). Identifiers: MedGen C1858386, MONDO:0011458, OMIM 604393.

Allele frequency attached by ClinVar (database versions not stated): ExAC 0.00001; gnomAD 0.00001 and 0.00002; gnomAD exomes 0.00001; TOPMed 0.00001.
gnomAD v4.1: 18 of 1,614,052 alleles (0.0011%); highest among the groups gnomAD compares: African/African-American, 0.004%; no homozygotes.

Submissions (2):

Blueprint Genetics
Classification: Uncertain significance. Last evaluated: 2022-06-20. Review status: criteria provided, single submitter. Criteria: ACMG Guidelines, 2015. Collection method: clinical testing. Allele origin: germline.

Labcorp Genetics (formerly Invitae), Labcorp
Classification: Uncertain significance for Leber congenital amaurosis 4. Last evaluated: 2022-06-13. Review status: criteria provided, single submitter. Criteria: Invitae Variant Classification Sherloc (09022015). Collection method: clinical testing. Allele origin: germline.
Comment: This sequence change affects codon 214 of the AIPL1 mRNA. It is a 'silent' change, meaning that it does not change the encoded amino acid sequence of the AIPL1 protein. This variant also falls at the last nucleotide of exon 4, which is part of the consensus splice site for this exon. This variant is present in population databases (rs747890893, gnomAD 0.008%). This variant has not been reported in the literature in individuals affected with AIPL1-related conditions. ClinVar contains an entry for this variant (Variation ID: 1003487). Variants that disrupt the consensus splice site are a relatively common cause of aberrant splicing (PMID: 17576681, 9536098). Algorithms developed to predict the effect of sequence changes on RNA splicing suggest that this variant may create or strengthen a splice site. This variant disrupts the c.642G nucleotide in the AIPL1 gene. Other variant(s) that disrupt this nucleotide have been determined to be pathogenic (PMID: 21900377, 26650897). This suggests that this nucleotide is clinically significant, and that variants that disrupt this position are likely to be disease-causing. In summary, the available evidence is currently insufficient to determine the role of this variant in disease. Therefore, it has been classified as a Variant of Uncertain Significance.

Literature cited by the submitters: PubMed 17576681 (cited by Labcorp Genetics (formerly Invitae), Labcorp); PubMed 9536098 (cited by Labcorp Genetics (formerly Invitae), Labcorp); PubMed 21900377 (cited by Labcorp Genetics (formerly Invitae), Labcorp); PubMed 26650897 (cited by Labcorp Genetics (formerly Invitae), Labcorp).